The following is an entry in ClinVar:

NM_000182.5(HADHA):c.230A>G (p.Asn77Ser)

Gene: HADHA (hydroxyacyl-CoA dehydrogenase trifunctional multienzyme complex subunit alpha; minus strand). Cytogenetic location: 2p23.3.
Variant type: single nucleotide variant.
Coding change: c.230A>G on transcript NM_000182.5 (MANE Select); coding-DNA position 230, A replaced by G.
Protein change: p.Asn77Ser; replaces asparagine 77 with serine.
Molecular consequence: missense variant.
Genome position (GRCh38, 1-based): chr2:26,236,939, T>C on the plus strand (A>G on the coding strand, the complement: HADHA is on the minus strand). VCF-style: chr2-26236939-T-C. GRCh37 (hg19) VCF-style: chr2-26459807-T-C.
Other names: short protein forms N77S.
Identifiers: ClinVar variation 2149157 (VCV002149157.4), dbSNP rs753278726, ClinGen allele CA44355675.

ClinVar aggregate classification (germline): Uncertain significance (1 of 4 stars; one submission).

Conditions:
Long chain 3-hydroxyacyl-CoA dehydrogenase deficiency. Also called: LCHAD Deficiency; Deficiency of long-chain 3-hydroxyacyl-coenzyme A dehydrogenase. Identifiers: Orphanet 5, MedGen C3711645, MONDO:0012173, OMIM 609016.
Mitochondrial trifunctional protein deficiency. Identifiers: Orphanet 746, MedGen C1969443, MONDO:0012172.

Submission:

Labcorp Genetics (formerly Invitae), Labcorp
Classification: Uncertain significance for Mitochondrial trifunctional protein deficiency; Long chain 3-hydroxyacyl-CoA dehydrogenase deficiency. Last evaluated: 2025-10-01. Review status: criteria provided, single submitter. Criteria: Invitae Variant Classification Sherloc (09022015). Collection method: clinical testing. Allele origin: germline.
Comment: This sequence change replaces asparagine, which is neutral and polar, with serine, which is neutral and polar, at codon 77 of the HADHA protein (p.Asn77Ser). This variant is not present in population databases (gnomAD no frequency). This variant has not been reported in the literature in individuals affected with HADHA-related conditions. ClinVar contains an entry for this variant (Variation ID: 2149157). Invitae Evidence Modeling of protein sequence and biophysical properties (such as structural, functional, and spatial information, amino acid conservation, physicochemical variation, residue mobility, and thermodynamic stability) indicates that this missense variant is not expected to disrupt HADHA protein function with a negative predictive value of 80%. In summary, the available evidence is currently insufficient to determine the role of this variant in disease. Therefore, it has been classified as a Variant of Uncertain Significance.